The following is an entry in ClinVar:

NM_014727.3(KMT2B):c.3316C>T (p.Arg1106Trp)

Gene: KMT2B (lysine methyltransferase 2B; plus strand). Cytogenetic location: 19q13.12.
Variant type: single nucleotide variant.
Coding change: c.3316C>T on transcript NM_014727.3 (MANE Select); coding-DNA position 3316, C replaced by T.
Protein change: p.Arg1106Trp; replaces arginine 1106 with tryptophan.
Molecular consequence: missense variant.
Genome position (GRCh38, 1-based): chr19:35,723,989, C>T. VCF-style: chr19-35723989-C-T. GRCh37 (hg19) VCF-style: chr19-36214890-C-T.
Other names: short protein forms R1106W.
Identifiers: ClinVar variation 4768807 (VCV004768807.1).

ClinVar aggregate classification (germline): Uncertain significance (1 of 4 stars; one submission).

gnomAD v4.1: 3 of 1,591,718 alleles (0.00019%); highest among the groups gnomAD compares: East Asian, 0.0022%; no homozygotes.

Submission:

Labcorp Genetics (formerly Invitae), Labcorp
Classification: Uncertain significance. Last evaluated: 2025-11-02. Review status: criteria provided, single submitter. Criteria: Invitae Variant Classification Sherloc (09022015). Collection method: clinical testing. Allele origin: germline.
Comment: This sequence change replaces arginine, which is basic and polar, with tryptophan, which is neutral and slightly polar, at codon 1106 of the KMT2B protein (p.Arg1106Trp). This variant is not present in population databases (gnomAD no frequency). This variant has not been reported in the literature in individuals affected with KMT2B-related conditions. Invitae Evidence Modeling of protein sequence and biophysical properties (such as structural, functional, and spatial information, amino acid conservation, physicochemical variation, residue mobility, and thermodynamic stability) indicates that this missense variant is not expected to disrupt KMT2B protein function with a negative predictive value of 80%. In summary, the available evidence is currently insufficient to determine the role of this variant in disease. Therefore, it has been classified as a Variant of Uncertain Significance.